The following is an entry in ClinVar:

NM_000320.3(QDPR):c.240G>A (p.Val80=)

Gene: QDPR (quinoid dihydropteridine reductase; minus strand). Cytogenetic location: 4p15.32.
Variant type: single nucleotide variant.
Coding change: c.240G>A on transcript NM_000320.3 (MANE Select); coding-DNA position 240, G replaced by A.
Protein change: p.Val80=; no amino-acid change (valine 80 retained).
Molecular consequence: synonymous variant. On other transcripts: non-coding transcript variant (1).
Genome position (GRCh38, 1-based): chr4:17,504,434, C>T on the plus strand (G>A on the coding strand, the complement: QDPR is on the minus strand). VCF-style: chr4-17504434-C-T. GRCh37 (hg19) VCF-style: chr4-17506057-C-T.
Other names: c.147G>A, p.Val49= (NM_001306140.2).
Identifiers: ClinVar variation 2131254 (VCV002131254.4), dbSNP rs2474675147, ClinGen allele CA438714218.
Genomic context (GRCh38, chr4:17,504,434, plus strand): 5'-CTCACACTTGGATTTGGCATTGCCCCCGGCCCATCCTCCAGCAACGCAAAGAATTGCATC[C>T]ACCTTCTCTTCACCCAAGAGCTTTCCAACCTCAGCAGTCACCTTCAACACAAGAACAAAA-3'
Protein context (NP_000311.2, residues 70-90): EVGKLLGEEK[Val80=]DAILCVAGGW

ClinVar aggregate classification (germline): Uncertain significance (1 of 4 stars; one submission).

Conditions:
Dihydropteridine reductase deficiency (HPABH4C). Also called: BH4-Deficient Hyperphenylalaninemia C; HYPERPHENYLALANINEMIA, TETRAHYDROBIOPTERIN-DEFICIENT, DUE TO DHPR DEFICIENCY; QDPR DEFICIENCY; QUINOID DIHYDROPTERIDINE REDUCTASE DEFICIENCY; Phenylketonuria II; Hyperphenylalaninemia due to dihydropteridine reductase deficiency. Identifiers: Orphanet 226, Orphanet 238583, MedGen C0268465, MONDO:0009862, OMIM 261630.

Submission:

Labcorp Genetics (formerly Invitae), Labcorp
Classification: Uncertain significance for Dihydropteridine reductase deficiency. Last evaluated: 2022-04-28. Review status: criteria provided, single submitter. Criteria: Invitae Variant Classification Sherloc (09022015). Collection method: clinical testing. Allele origin: germline.
Comment: In summary, the available evidence is currently insufficient to determine the role of this variant in disease. Therefore, it has been classified as a Variant of Uncertain Significance. Algorithms developed to predict the effect of sequence changes on RNA splicing suggest that this variant may disrupt the consensus splice site. This variant has not been reported in the literature in individuals affected with QDPR-related conditions. This variant is not present in population databases (gnomAD no frequency). This sequence change affects codon 80 of the QDPR mRNA. It is a 'silent' change, meaning that it does not change the encoded amino acid sequence of the QDPR protein.